The following is an entry in ClinVar:

ClinVar aggregate classification (germline): Conflicting classifications of pathogenicity. Review status: criteria provided, conflicting classifications (1 of 4 stars). 6 submissions from 6 submitters: Uncertain significance (5); Likely benign (1). Last evaluated 2026-01-27.

Conditions:
POLD1-related polyposis and colorectal cancer syndrome (CRCS10). Also called: COLORECTAL CANCER, SUSCEPTIBILITY TO, ON CHROMOSOME 19q; Colorectal cancer 10; Colorectal cancer, susceptibility to, 10. Identifiers: Orphanet 220460, MedGen C2675481, MONDO:0012953, OMIM 612591.
Hereditary cancer-predisposing syndrome. Also called: Hereditary Cancer Syndrome; Neoplastic Syndromes, Hereditary; Hereditary neoplastic syndrome; Tumor predisposition. Identifiers: Orphanet 140162, MedGen C0027672, MeSH D009386, MONDO:0015356.

Allele frequency attached by ClinVar (database versions not stated): ExAC 0.00003; gnomAD exomes 0.00004 and 0.00007; gnomAD 0.00009 and 0.00010; TOPMed 0.00012.

Submissions (6):

Labcorp Genetics (formerly Invitae), Labcorp
Classification: Uncertain significance for POLD1-related polyposis and colorectal cancer syndrome. Last evaluated: 2026-01-27. Review status: criteria provided, single submitter. Criteria: Invitae Variant Classification Sherloc (09022015). Collection method: clinical testing. Allele origin: germline.
Comment: This sequence change replaces arginine, which is basic and polar, with cysteine, which is neutral and slightly polar, at codon 119 of the POLD1 protein (p.Arg119Cys). This variant is present in population databases (rs747614571, gnomAD 0.01%). This variant has not been reported in the literature in individuals affected with POLD1-related conditions. ClinVar contains an entry for this variant (Variation ID: 239346). An algorithm developed to predict the effect of missense changes on protein structure and function outputs the following: PolyPhen-2: "Benign". The cysteine amino acid residue is found in multiple mammalian species, which suggests that this missense change does not adversely affect protein function. In summary, the available evidence is currently insufficient to determine the role of this variant in disease. Therefore, it has been classified as a Variant of Uncertain Significance.

Center for Genomic Medicine, Rigshospitalet, Copenhagen University Hospital
Classification: Uncertain significance. Last evaluated: 2025-12-29. Review status: criteria provided, single submitter. Criteria: ACMG Guidelines, 2015. Collection method: clinical testing. Allele origin: germline.

GeneDx
Classification: Uncertain significance. Last evaluated: 2025-09-02. Review status: criteria provided, single submitter. Criteria: GeneDx Variant Classification Process June 2021. Collection method: clinical testing. Allele origin: germline. Affected: yes.
Comment: In silico analysis suggests that this missense variant does not alter protein structure/function; Observed in individuals with breast and uterine cancer (PMID: 35534704); This variant is associated with the following publications: (PMID: 25186949, 26832770, 29056344, 31034466, 35534704)

Ambry Genetics
Classification: Likely benign for Hereditary cancer-predisposing syndrome. Last evaluated: 2024-12-04. Review status: criteria provided, single submitter. Criteria: Ambry Variant Classification Scheme 2023. Collection method: clinical testing. Allele origin: germline.

Quest Diagnostics Nichols Institute San Juan Capistrano
Classification: Uncertain significance. Last evaluated: 2019-07-16. Review status: criteria provided, single submitter. Criteria: Quest Diagnostics criteria. Collection method: clinical testing. Allele origin: germline.

Breakthrough Genomics
Classification: Uncertain significance. Review status: criteria provided, single submitter. Criteria: ACMG Guidelines, 2015. Collection method: not provided. Allele origin: germline. Inheritance: Autosomal dominant inheritance. Affected: yes.

NM_002691.4(POLD1):c.355C>T (p.Arg119Cys)

Gene: POLD1 (DNA polymerase delta 1, catalytic subunit; plus strand). Cytogenetic location: 19q13.33.
Variant type: single nucleotide variant.
Coding change: c.355C>T on transcript NM_002691.4 (MANE Select); coding-DNA position 355, C replaced by T.
Protein change: p.Arg119Cys; replaces arginine 119 with cysteine.
Molecular consequence: missense variant. On other transcripts: non-coding transcript variant (1).
Genome position (GRCh38, 1-based): chr19:50,401,816, C>T. VCF-style: chr19-50401816-C-T. GRCh37 (hg19) VCF-style: chr19-50905073-C-T.
Other names: c.355C>T, p.Arg119Cys (NM_001256849.1, NM_001308632.1); short protein forms R119C.
Identifiers: ClinVar variation 239346 (VCV000239346.24), dbSNP rs747614571, ClinGen allele CA9595708.